The following is an entry in ClinVar:

ClinVar aggregate classification (germline): Likely benign (0 of 4 stars; one submission).

Conditions:
HECW2-related disorder. Also called: HECW2-related condition.

Allele frequency attached by ClinVar (database versions not stated): gnomAD exomes 0.00003; ExAC 0.00012; TOPMed 0.00032; 1000 Genomes Project 0.00040; gnomAD 0.00040; ESP Exome Variant Server 0.00046; 1000 Genomes Project 30x 0.00047.
gnomAD v4.1: 112 of 1,614,164 alleles (0.0069%); highest among the groups gnomAD compares: African/African-American, 0.12%; no homozygotes.

Submission:

PreventionGenetics, part of Exact Sciences
Classification: Likely benign for HECW2-related condition. Last evaluated: 2019-06-07. Review status: no assertion criteria provided. Collection method: clinical testing. Allele origin: germline.
Comment: This variant is classified as likely benign based on ACMG/AMP sequence variant interpretation guidelines (Richards et al. 2015 PMID: 25741868, with internal and published modifications).

NM_001348768.2(HECW2):c.3555T>C (p.Ala1185=)

Gene: HECW2 (HECT, C2 and WW domain containing E3 ubiquitin protein ligase 2; minus strand). Cytogenetic location: 2q32.3.
Variant type: single nucleotide variant.
Coding change: c.3555T>C on transcript NM_001348768.2 (MANE Select); coding-DNA position 3555, T replaced by C.
Protein change: p.Ala1185=; no amino-acid change (alanine 1185 retained).
Molecular consequence: synonymous variant.
Genome position (GRCh38, 1-based): chr2:196,242,179, A>G on the plus strand (T>C on the coding strand, the complement: HECW2 is on the minus strand). VCF-style: chr2-196242179-A-G. GRCh37 (hg19) VCF-style: chr2-197106903-A-G.
Other names: c.2487T>C, p.Ala829= (NM_001304840.3); c.3555T>C, p.Ala1185= (NM_020760.4).
Identifiers: ClinVar variation 3038349 (VCV003038349.2), dbSNP rs149816485, ClinGen allele CA2037706.
Genomic context (GRCh38, chr2:196,242,179, plus strand): 5'-CTCTAACTTCCTGTAAAAGTTCCTCAGTTTGGCTTCGAAATCCCGCTTGTAAGGGGCTGG[A>G]GCCCGGGCATTGGCACGCTGGGTACCTGCAGCAAACCACAAAGAGAGGACAATCTGGATT-3'
Protein context (NP_001335697.1, residues 1175-1195): SPGTQRANAR[Ala1185=]PAPYKRDFEA